The following is an entry in ClinVar:

ClinVar aggregate classification (germline): Uncertain significance (1 of 4 stars; one submission).

Allele frequency attached by ClinVar (database versions not stated): TOPMed below 0.00001; ESP Exome Variant Server 0.00008.

Submission:

Labcorp Genetics (formerly Invitae), Labcorp
Classification: Uncertain significance. Last evaluated: 2022-08-23. Review status: criteria provided, single submitter. Criteria: Invitae Variant Classification Sherloc (09022015). Collection method: clinical testing. Allele origin: germline.
Comment: This sequence change replaces serine, which is neutral and polar, with proline, which is neutral and non-polar, at codon 36 of the TMEM126A protein (p.Ser36Pro). Algorithms developed to predict the effect of missense changes on protein structure and function are either unavailable or do not agree on the potential impact of this missense change (SIFT: "Tolerated"; PolyPhen-2: "Probably Damaging"; Align-GVGD: "Class C0"). In summary, the available evidence is currently insufficient to determine the role of this variant in disease. Therefore, it has been classified as a Variant of Uncertain Significance. ClinVar contains an entry for this variant (Variation ID: 1485202). This variant has not been reported in the literature in individuals affected with TMEM126A-related conditions. This variant is not present in population databases (gnomAD no frequency).

NM_032273.4(TMEM126A):c.106T>C (p.Ser36Pro)

Gene: TMEM126A (transmembrane protein 126A; plus strand). Cytogenetic location: 11q14.1.
Variant type: single nucleotide variant.
Coding change: c.106T>C on transcript NM_032273.4 (MANE Select); coding-DNA position 106, T replaced by C.
Protein change: p.Ser36Pro; replaces serine 36 with proline.
Molecular consequence: missense variant. On other transcripts: 5 prime UTR variant (1).
Genome position (GRCh38, 1-based): chr11:85,654,082, T>C. VCF-style: chr11-85654082-T-C. GRCh37 (hg19) VCF-style: chr11-85365126-T-C.
Other names: c.-105T>C (NM_001244735.2); short protein forms S36P.
Identifiers: ClinVar variation 1485202 (VCV001485202.8), dbSNP rs372932206, ClinGen allele CA225302600.
Genomic context (GRCh38, chr11:85,654,082, plus strand): 5'-CAATAATGCCAAAGAAAAGTTCTTTCTTCTCACCCTTTCAGGAATCTACTTGAAAATGGA[T>C]CGGTTTATGTTGGATTAAATGCTGCTCTTTGTGGCCTCATAGCAAACAGTCTTTTTCGAC-3'
Protein context (NP_115649.1, residues 26-46): EAERNLLENG[Ser36Pro]VYVGLNAALC